The following is an entry in ClinVar:

NM_133433.4(NIPBL):c.4561-10T>C

Gene: NIPBL (NIPBL cohesin loading factor; plus strand). Cytogenetic location: 5p13.2.
Variant type: single nucleotide variant.
Coding change: c.4561-10T>C on transcript NM_133433.4 (MANE Select); 10 bases into the intron before coding-DNA position 4561, T replaced by C.
Molecular consequence: intron variant.
Genome position (GRCh38, 1-based): chr5:37,014,673, T>C. VCF-style: chr5-37014673-T-C. GRCh37 (hg19) VCF-style: chr5-37014775-T-C.
Other names: c.4561-10T>C (NM_015384.5).
Identifiers: ClinVar variation 682451 (VCV000682451.3), dbSNP rs763125929, ClinGen allele CA3236584.
Genomic context (GRCh38, chr5:37,014,673, plus strand): 5'-ACATGACAATAGCAACAGGGCTAACTTATTATTTCTTGTATCTTTATAAACTCACTTTTT[T>C]TCATTCTAGATTGACCAGGATGTTGTCATTACTAACTCTTATGAAACAGCTATGCGAACA-3'

ClinVar aggregate classification (germline): Likely benign. Review status: criteria provided, single submitter (1 of 4 stars). 2 submissions from 2 submitters: Likely benign (1). 1 of the submissions does not count toward it. Last evaluated 2018-05-02.

Conditions:
NIPBL-related disorder. Also called: NIPBL-related condition.

Allele frequency attached by ClinVar (database versions not stated): gnomAD 0.00001; ExAC 0.00002; gnomAD exomes 0.00002 and 0.00004; TOPMed 0.00002.
gnomAD v4.1: 58 of 1,573,006 alleles (0.0037%); highest among the groups gnomAD compares: Non-Finnish European, 0.005%; no homozygotes.

Submissions (2):

GeneDx
Classification: Likely benign. Last evaluated: 2018-05-02. Review status: criteria provided, single submitter. Criteria: GeneDx Variant Classification (06012015). Collection method: clinical testing. Allele origin: germline. Affected: yes.
Comment: This variant is considered likely benign or benign based on one or more of the following criteria: it is a conservative change, it occurs at a poorly conserved position in the protein, it is predicted to be benign by multiple in silico algorithms, and/or has population frequency not consistent with disease.

PreventionGenetics, part of Exact Sciences
Classification: Likely benign for NIPBL-related condition. Last evaluated: 2020-04-20. Review status: no assertion criteria provided. Collection method: clinical testing. Allele origin: germline. Not counted in ClinVar's aggregate classification.
Comment: This variant is classified as likely benign based on ACMG/AMP sequence variant interpretation guidelines (Richards et al. 2015 PMID: 25741868, with internal and published modifications).